The following is an entry in ClinVar:

ClinVar aggregate classification (germline): Uncertain significance. Review status: criteria provided, multiple submitters, no conflicts (2 of 4 stars). 2 submissions from 2 submitters: Uncertain significance (2). Last evaluated 2025-10-13.

Conditions:
Joubert syndrome. Also called: CEREBELLOPARENCHYMAL DISORDER IV; JOUBERT-BOLTSHAUSER SYNDROME; Familial aplasia of the vermis. Identifiers: Orphanet 475, MedGen C5979921, MONDO:0018772.
Joubert syndrome 3 (JBTS3). Also called: AHI1-related Ciliopathy. Identifiers: Orphanet 220493, MedGen C1837713, MONDO:0012078, OMIM 608629.

Allele frequency attached by ClinVar (database versions not stated): gnomAD 0.00003; TOPMed 0.00004; ESP Exome Variant Server 0.00008.
gnomAD v4.1: 7 of 1,613,802 alleles (0.00043%); highest among the groups gnomAD compares: African/African-American, 0.0067%; no homozygotes.

Submissions (2):

Labcorp Genetics (formerly Invitae), Labcorp
Classification: Uncertain significance for Joubert syndrome. Last evaluated: 2025-10-13. Review status: criteria provided, single submitter. Criteria: Invitae Variant Classification Sherloc (09022015). Collection method: clinical testing. Allele origin: germline.
Comment: This sequence change replaces aspartic acid, which is acidic and polar, with histidine, which is basic and polar, at codon 340 of the AHI1 protein (p.Asp340His). This variant is present in population databases (rs368748793, gnomAD 0.01%). This variant has not been reported in the literature in individuals affected with AHI1-related conditions. ClinVar contains an entry for this variant (Variation ID: 1955924). Invitae Evidence Modeling of protein sequence and biophysical properties (such as structural, functional, and spatial information, amino acid conservation, physicochemical variation, residue mobility, and thermodynamic stability) has been performed for this missense variant. However, the output from this modeling did not meet the statistical confidence thresholds required to predict the impact of this variant on AHI1 protein function. In summary, the available evidence is currently insufficient to determine the role of this variant in disease. Therefore, it has been classified as a Variant of Uncertain Significance.

Fulgent Genetics
Classification: Uncertain significance for Joubert syndrome 3. Last evaluated: 2024-04-22. Review status: criteria provided, single submitter. Criteria: ACMG Guidelines, 2015. Collection method: clinical testing. Allele origin: germline.

NM_001134831.2(AHI1):c.1018G>C (p.Asp340His)

Gene: AHI1 (Abelson helper integration site 1; minus strand). Cytogenetic location: 6q23.3.
Variant type: single nucleotide variant.
Coding change: c.1018G>C on transcript NM_001134831.2 (MANE Select); coding-DNA position 1018, G replaced by C.
Protein change: p.Asp340His; replaces aspartic acid 340 with histidine.
Molecular consequence: missense variant.
Genome position (GRCh38, 1-based): chr6:135,457,627, C>G on the plus strand (G>C on the coding strand, the complement: AHI1 is on the minus strand). VCF-style: chr6-135457627-C-G. GRCh37 (hg19) VCF-style: chr6-135778765-C-G.
Other names: c.1018G>C (NM_017651.4); c.1018G>C, p.Asp340His (NM_001134830.2, NM_001134832.2, NM_001350503.2 and 2 more transcripts); short protein forms D340H.
Identifiers: ClinVar variation 1955924 (VCV001955924.4), dbSNP rs368748793, ClinGen allele CA148143170.